The following is an entry in ClinVar:

ClinVar aggregate classification (germline): Uncertain significance. Review status: criteria provided, multiple submitters, no conflicts (2 of 4 stars). 3 submissions from 3 submitters: Uncertain significance (3). Last evaluated 2025-09-22.

Conditions:
Sphingolipid activator protein 1 deficiency. Also called: Metachromatic leukodystrophy due to saposin B deficiency; METACHROMATIC LEUKODYSTROPHY DUE TO CEREBROSIDE SULFATASE ACTIVATOR DEFICIENCY; Saposin B Deficiency. Identifiers: Orphanet 512, MedGen C0268262, MONDO:0009590, OMIM 249900.
Inborn genetic diseases. Identifiers: MedGen C0950123, MeSH D030342.

gnomAD v4.1: 4 of 1,614,148 alleles (0.00025%); highest among the groups gnomAD compares: Non-Finnish European, 0.00034%; no homozygotes.

Submissions (3):

Dasa
Classification: Uncertain significance. Last evaluated: 2025-09-22. Review status: criteria provided, single submitter. Criteria: DASA Assertion Criteria. Collection method: clinical testing. Allele origin: germline.
Comment: NM_002778.4(PSAP):c.1389C>G (p.Ile463Met) is a missense variant that results in the substitution of isoleucine with methionine. This variant is rare in population databases. The currently available literature and clinical evidence are not sufficient to establish a definitive association between this variant and the reported condition. Therefore, this variant is classified as a variant of uncertain significance.

Ambry Genetics
Classification: Uncertain significance for Inborn genetic diseases. Last evaluated: 2025-01-02. Review status: criteria provided, single submitter. Criteria: Ambry Variant Classification Scheme 2023. Collection method: clinical testing. Allele origin: germline.

Labcorp Genetics (formerly Invitae), Labcorp
Classification: Uncertain significance for Sphingolipid activator protein 1 deficiency. Last evaluated: 2021-09-24. Review status: criteria provided, single submitter. Criteria: Invitae Variant Classification Sherloc (09022015). Collection method: clinical testing. Allele origin: germline.
Comment: This sequence change replaces isoleucine with methionine at codon 463 of the PSAP protein (p.Ile463Met). The isoleucine residue is weakly conserved and there is a small physicochemical difference between isoleucine and methionine. This variant is not present in population databases (ExAC no frequency). This variant has not been reported in the literature in individuals with PSAP-related conditions. Algorithms developed to predict the effect of missense changes on protein structure and function are either unavailable or do not agree on the potential impact of this missense change (SIFT: "Not Available"; PolyPhen-2: "Possibly Damaging"; Align-GVGD: "Not Available"). In summary, the available evidence is currently insufficient to determine the role of this variant in disease. Therefore, it has been classified as a Variant of Uncertain Significance.

NM_002778.4(PSAP):c.1389C>G (p.Ile463Met)

Gene: PSAP (prosaposin; minus strand). Cytogenetic location: 10q22.1.
Variant type: single nucleotide variant.
Coding change: c.1389C>G on transcript NM_002778.4 (MANE Select); coding-DNA position 1389, C replaced by G.
Protein change: p.Ile463Met; replaces isoleucine 463 with methionine.
Molecular consequence: missense variant.
Genome position (GRCh38, 1-based): chr10:71,819,073, G>C on the plus strand (C>G on the coding strand, the complement: PSAP is on the minus strand). VCF-style: chr10-71819073-G-C. GRCh37 (hg19) VCF-style: chr10-73578830-G-C.
Other names: c.1398C>G, p.Ile466Met (NM_001042465.3); c.1395C>G, p.Ile465Met (NM_001042466.3); c.1389C>G (NM_002778.2); short protein forms I465M, I466M, I463M.
Identifiers: ClinVar variation 1387123 (VCV001387123.8), dbSNP rs762811199, ClinGen allele CA377142002.